The following is an entry in ClinVar:

ClinVar aggregate classification (germline): Uncertain significance (1 of 4 stars; one submission).

Submission:

GeneDx
Classification: Uncertain significance. Last evaluated: 2025-06-25. Review status: criteria provided, single submitter. Criteria: GeneDx Variant Classification Process June 2021. Collection method: clinical testing. Allele origin: germline. Affected: yes.
Comment: Not observed at significant frequency in large population cohorts (gnomAD); In silico analysis suggests that this variant does not alter protein structure/function; Has not been previously published as pathogenic or benign to our knowledge

NM_001145026.2(PTPRQ):c.5075_5076delinsCC (p.Ile1692Thr)

Gene: PTPRQ (protein tyrosine phosphatase receptor type Q; plus strand). Cytogenetic location: 12q21.31.
Variant type: Indel.
Coding change: c.5075_5076delinsCC on transcript NM_001145026.2 (MANE Select); coding-DNA positions 5075 to 5076, TT replaced by CC.
Protein change: p.Ile1692Thr; replaces isoleucine 1692 with threonine.
Molecular consequence: missense variant.
Genome position (GRCh38, 1-based): chr12:80,613,748-80,613,749, TT replaced by CC. VCF-style: chr12-80613748-TT-CC. GRCh37 (hg19) VCF-style: chr12-81007527-TT-CC.
Other names: short protein forms I1692T.
Identifiers: ClinVar variation 4540192 (VCV004540192.1).